The following is an entry in ClinVar:

NM_001382430.1(AKT1):c.631A>C (p.Thr211Pro)

Gene: AKT1 (AKT serine/threonine kinase 1; minus strand). Cytogenetic location: 14q32.33.
Variant type: single nucleotide variant.
Coding change: c.631A>C on transcript NM_001382430.1 (MANE Select); coding-DNA position 631, A replaced by C.
Protein change: p.Thr211Pro; replaces threonine 211 with proline.
Molecular consequence: missense variant.
Genome position (GRCh38, 1-based): chr14:104,774,940, T>G on the plus strand (A>C on the coding strand, the complement: AKT1 is on the minus strand). VCF-style: chr14-104774940-T-G. GRCh37 (hg19) VCF-style: chr14-105241277-T-G.
Other names: c.631A>C, p.Thr211Pro (NM_001014431.2, NM_001014432.2, NM_001382431.1 and 3 more transcripts); short protein forms T211P.
Identifiers: ClinVar variation 5034349 (VCV005034349.1).

ClinVar aggregate classification (germline): Uncertain significance (1 of 4 stars; one submission).

Conditions:
Inborn genetic diseases. Identifiers: MedGen C0950123, MeSH D030342.

Submission:

Ambry Genetics
Classification: Uncertain significance for Inborn genetic diseases. Last evaluated: 2026-06-28. Review status: criteria provided, single submitter. Criteria: Ambry Variant Classification Scheme 2023. Collection method: clinical testing. Allele origin: germline.
Comment: The p.T211P variant (also known as c.631A>C), located in coding exon 6 of the AKT1 gene, results from an A to C substitution at nucleotide position 631. The threonine at codon 211 is replaced by proline, an amino acid with highly similar properties. This amino acid position is conserved. In addition, the in silico prediction for this alteration is inconclusive. Based on the available evidence, the clinical significance of this variant remains unclear.